The following is an entry in ClinVar:

NM_001379500.1(COL18A1):c.2464G>A (p.Glu822Lys)

Gene: COL18A1 (collagen type XVIII alpha 1 chain; plus strand). Cytogenetic location: 21q22.3.
Variant type: single nucleotide variant.
Coding change: c.2464G>A on transcript NM_001379500.1 (MANE Select); coding-DNA position 2464, G replaced by A.
Protein change: p.Glu822Lys; replaces glutamic acid 822 with lysine.
Molecular consequence: missense variant.
Genome position (GRCh38, 1-based): chr21:45,495,388, G>A. VCF-style: chr21-45495388-G-A. GRCh37 (hg19) VCF-style: chr21-46915302-G-A.
Other names: c.3004G>A, p.Glu1002Lys (NM_030582.4); c.3709G>A, p.Glu1237Lys (NM_130444.3); short protein forms E1002K, E1237K, E822K.
Identifiers: ClinVar variation 1719276 (VCV001719276.5), dbSNP rs778082909, ClinGen allele CA410497788.
Genomic context (GRCh38, chr21:45,495,388, plus strand): 5'-GCAGTCCCCACCCCCTGTGCTCCGCCCCAGGGTCGCCCCGGGATGAACGGATTGAAAGGA[G>A]AGAAAGGGGAGCCGGGAGATGCCAGCCTTGGATTTGGCATGAGGGTGAGTGTCTCTCAAG-3'
Protein context (NP_001366429.1, residues 812-832): GRPGMNGLKG[Glu822Lys]KGEPGDASLG

ClinVar aggregate classification (germline): Uncertain significance (1 of 4 stars; one submission).

gnomAD v4.1: 1 of 1,611,798 alleles (0.000062%); highest among the groups gnomAD compares: South Asian, 0.0011%; no homozygotes.

Submission:

Labcorp Genetics (formerly Invitae), Labcorp
Classification: Uncertain significance. Last evaluated: 2022-11-08. Review status: criteria provided, single submitter. Criteria: Invitae Variant Classification Sherloc (09022015). Collection method: clinical testing. Allele origin: germline.
Comment: Experimental studies and prediction algorithms are not available or were not evaluated, and the functional significance of this variant is currently unknown. In summary, the available evidence is currently insufficient to determine the role of this variant in disease. Therefore, it has been classified as a Variant of Uncertain Significance. This variant has not been reported in the literature in individuals affected with COL18A1-related conditions. This variant is not present in population databases (gnomAD no frequency). This sequence change replaces glutamic acid, which is acidic and polar, with lysine, which is basic and polar, at codon 822 of the COL18A1 protein (p.Glu822Lys).